The following is an entry in ClinVar:

NM_198253.3(TERT):c.508G>A (p.Val170Met)

Gene: TERT (telomerase reverse transcriptase; minus strand). Cytogenetic location: 5p15.33.
Variant type: single nucleotide variant.
Coding change: c.508G>A on transcript NM_198253.3 (MANE Select); coding-DNA position 508, G replaced by A.
Protein change: p.Val170Met; replaces valine 170 with methionine.
Molecular consequence: missense variant. On other transcripts: non-coding transcript variant (2).
Genome position (GRCh38, 1-based): chr5:1,294,378, C>T on the plus strand (G>A on the coding strand, the complement: TERT is on the minus strand). VCF-style: chr5-1294378-C-T. GRCh37 (hg19) VCF-style: chr5-1294493-C-T.
Other names: c.508G>A, p.Val170Met (NM_001193376.3); short protein forms V170M.
Identifiers: ClinVar variation 36947 (VCV000036947.35), dbSNP rs387907248, ClinGen allele CA129982.

ClinVar aggregate classification (germline): Conflicting classifications of pathogenicity. Review status: criteria provided, conflicting classifications (1 of 4 stars). 6 submissions from 6 submitters: Likely pathogenic (1); Uncertain significance (4). 1 of the submissions does not count toward it. Last evaluated 2025-07-08.

Conditions:
Dyskeratosis congenita, autosomal dominant 2. Identifiers: MedGen C3151443, MONDO:0013521, OMIM 613989.
Idiopathic Pulmonary Fibrosis. Also called: Idiopathic fibrosing alveolitis, chronic form; idiopathic fibrosing alveolitis. Identifiers: Orphanet 2032, MedGen C1800706, MeSH D054990, MONDO:0800504.
TERT-related disorder. Also called: TERT-related condition; TERT-related disorders.
Pulmonary fibrosis and/or bone marrow failure, Telomere-related, 1. Also called: PULMONARY FIBROSIS AND/OR BONE MARROW FAILURE SYNDROME, TELOMERE-RELATED, 1. Identifiers: Orphanet 88, MedGen C3553617, MONDO:0013878, OMIM 614742.
Aplastic anemia. Identifiers: Orphanet 182040, Orphanet 88, MedGen C0002874, MONDO:0015909, OMIM 609135, HP:0001915.
Interstitial lung disease 2 (ILD2). Also called: FIBROCYSTIC PULMONARY DYSPLASIA; FIBROSING ALVEOLITIS, CRYPTOGENIC; Familial idiopathic pulmonary fibrosis. Identifiers: Orphanet 2032, Orphanet 79126, MedGen C5561926, MONDO:0800497, OMIM 178500, MONDO:0800029.
Dyskeratosis congenita, autosomal dominant 1 (DKCA1). Also called: Dyskeratosis congenita Scoggins type. Identifiers: Orphanet 1775, MedGen C4551974, MONDO:0007485, OMIM 127550. Inheritance: Variable.
Melanoma, cutaneous malignant, susceptibility to, 9. Also called: Cutaneous malignant melanoma 9. Identifiers: Orphanet 618, MedGen C3554574, MONDO:0014056, OMIM 615134.
Acute myeloid leukemia (AML). Also called: Acute myeloid leukemia, adult; AML adult; Acute non-lymphocytic leukemia; Acute granulocytic leukemia; Leukemia, acute myeloid, somatic; Leukemia, acute myelogenous, somatic. Identifiers: Orphanet 519, MedGen C0023467, MeSH D015470, MONDO:0018874, OMIM 601626, HP:0004808. Disease mechanism: Constitutively activated FLT3.
Dyskeratosis congenita. Identifiers: Orphanet 1775, MedGen C0265965, MONDO:0015780.

Allele frequency attached by ClinVar (database versions not stated): ExAC 0.00002; gnomAD exomes 0.00001 and 0.00003; TOPMed 0.00001.
gnomAD v4.1: 38 of 1,579,148 alleles (0.0024%); highest among the groups gnomAD compares: Non-Finnish European, 0.0032%; no homozygotes.

Submissions (6):

Labcorp Genetics (formerly Invitae), Labcorp
Classification: Uncertain significance for Dyskeratosis congenita, autosomal dominant 2; Idiopathic Pulmonary Fibrosis. Last evaluated: 2025-07-08. Review status: criteria provided, single submitter. Criteria: Invitae Variant Classification Sherloc (09022015). Collection method: clinical testing. Allele origin: germline.
Comment: This sequence change replaces valine, which is neutral and non-polar, with methionine, which is neutral and non-polar, at codon 170 of the TERT protein (p.Val170Met). This variant is present in population databases (rs387907248, gnomAD 0.001%). This missense change has been observed in individual(s) with aplastic anemia and pulmonary fibrosis (PMID: 21436073, 24833766, 35776903). ClinVar contains an entry for this variant (Variation ID: 36947). Invitae Evidence Modeling of protein sequence and biophysical properties (such as structural, functional, and spatial information, amino acid conservation, physicochemical variation, residue mobility, and thermodynamic stability) indicates that this missense variant is expected to disrupt TERT protein function with a positive predictive value of 95%. Experimental studies have shown that this missense change affects TERT function (PMID: 21436073). In summary, the available evidence is currently insufficient to determine the role of this variant in disease. Therefore, it has been classified as a Variant of Uncertain Significance.

Ambry Genetics
Classification: Likely pathogenic for Dyskeratosis congenita. Last evaluated: 2025-07-07. Review status: criteria provided, single submitter. Criteria: Ambry Variant Classification Scheme 2023. Collection method: clinical testing. Allele origin: germline.
Comment: The p.V170M variant (also known as c.508G>A), located in coding exon 2 of the TERT gene, results from a G to A substitution at nucleotide position 508. The valine at codon 170 is replaced by methionine, an amino acid with highly similar properties. This variant was reported in individual(s) with features consistent with TERT-related disorder, notably idiopathic pulmonary fibrosis, aplastic anemia, and telomere length <1st percentile (Parry EM et al. Blood, 2011 May;117:5607-11; Silhan LL et al. Eur Respir J, 2014 Jul;44:178-87; Gorgy AI et al. Chest, 2015 Oct;148:1019-1026; Gutierrez-Rodrigues F et al. Genet Med, 2019 Jul;21:1594-1602; Popescu I et al. Am J Respir Crit Care Med, 2019 Feb;199:362-376; Gutierrez-Rodrigues F et al. Blood, 2024 Dec;144:2402-2416). This missense alteration is located in a region that has a low rate of benign missense variation (Lek M et al. Nature. 2016 Aug 18;536(7616):285-91; DECIPHER: Database of Chromosomal Imbalance and Phenotype in Humans using Ensembl Resources. Firth H.V. et al. 2009. Am.J.Hum.Genet. 84, 524-533 (DOI)). This amino acid position is highly conserved in available vertebrate species. In addition, this alteration is predicted to be deleterious by in silico analysis. Based on the majority of available evidence to date, this variant is likely to be pathogenic.

PreventionGenetics, part of Exact Sciences
Classification: Uncertain significance for TERT-related condition. Last evaluated: 2023-07-13. Review status: criteria provided, single submitter. Criteria: ACMG Guidelines, 2015. Collection method: clinical testing. Allele origin: germline.
Comment: The TERT c.508G>A variant is predicted to result in the amino acid substitution p.Val170Met. This variant has been reported in several individuals with aplastic anaemia and pulmonary fibrosis (Parry et al. 2011. PubMed ID: 21436073; Silhan et al. 2014. PubMed ID: 24833766; Gutierrez-Rodrigues et al. 2018. PubMed ID: 30523342). Telomerase activity assay showed that this variant may decrease enzyme activity (Parry et al. 2011. PubMed ID: 21436073). This variant is reported in 0.0012% of alleles in individuals of European (Non-Finnish) descent in gnomAD. Although we suspect this variant may be pathogenic, at this time, the clinical significance of this variant is uncertain due to the absence of conclusive functional and genetic evidence.

Baylor Genetics
Classification: Uncertain significance for Dyskeratosis congenita, autosomal dominant 2. Last evaluated: 2023-06-22. Review status: criteria provided, single submitter. Criteria: ACMG Guidelines, 2015. Collection method: clinical testing. Allele origin: unknown.

Fulgent Genetics
Classification: Uncertain significance for Dyskeratosis congenita, autosomal dominant 1; Interstitial lung disease 2; Acute myeloid leukemia; Aplastic anemia; Dyskeratosis congenita, autosomal dominant 2; Pulmonary fibrosis and/or bone marrow failure, Telomere-related, 1; Melanoma, cutaneous malignant, susceptibility to, 9. Last evaluated: 2022-04-07. Review status: criteria provided, single submitter. Criteria: ACMG Guidelines, 2015. Collection method: clinical testing. Allele origin: unknown.

OMIM
Classification: Pathogenic for PULMONARY FIBROSIS AND/OR BONE MARROW FAILURE SYNDROME, TELOMERE-RELATED, 1. Last evaluated: 2011-05-26. Review status: no assertion criteria provided. Collection method: literature only. Allele origin: germline. Not counted in ClinVar's aggregate classification.

Literature cited by the submitters: PubMed 21436073 (cited by 3 submitters); PubMed 24833766 (cited by Labcorp Genetics (formerly Invitae), Labcorp and Ambry Genetics); PubMed 35776903 (cited by Labcorp Genetics (formerly Invitae), Labcorp); PubMed 26158642 (cited by Ambry Genetics); PubMed 30088779 (cited by Ambry Genetics); PubMed 30523342 (cited by Ambry Genetics); PubMed 39316766 (cited by Ambry Genetics).